The following is an entry in ClinVar:

NM_032119.4(ADGRV1):c.3161C>A (p.Pro1054His)

Gene: ADGRV1 (adhesion G protein-coupled receptor V1; plus strand). Cytogenetic location: 5q14.3.
Variant type: single nucleotide variant.
Coding change: c.3161C>A on transcript NM_032119.4 (MANE Select); coding-DNA position 3161, C replaced by A.
Protein change: p.Pro1054His; replaces proline 1054 with histidine.
Molecular consequence: missense variant. On other transcripts: non-coding transcript variant (1).
Genome position (GRCh38, 1-based): chr5:90,647,636, C>A. VCF-style: chr5-90647636-C-A. GRCh37 (hg19) VCF-style: chr5-89943453-C-A.
Other names: short protein forms P1054H.
Identifiers: ClinVar variation 5008387 (VCV005008387.1).

ClinVar aggregate classification (germline): Uncertain significance (1 of 4 stars; one submission).

gnomAD v4.1: 1 of 1,613,938 alleles (0.000062%); highest among the groups gnomAD compares: Non-Finnish European, 0.000085%; no homozygotes.

Submission:

GeneDx
Classification: Uncertain significance. Last evaluated: 2026-03-05. Review status: criteria provided, single submitter. Criteria: GeneDx Variant Classification Process June 2021. Collection method: clinical testing. Allele origin: germline.
Comment: Not observed at significant frequency in large population cohorts (gnomAD); In silico analysis supports that this missense variant has a deleterious effect on protein structure/function; Has not been previously published as pathogenic or benign to our knowledge